The following is an entry in ClinVar:

ClinVar aggregate classification (germline): Conflicting classifications of pathogenicity. Review status: criteria provided, conflicting classifications (1 of 4 stars). 2 submissions from 2 submitters: Uncertain significance (1); Likely benign (1). Last evaluated 2025-02-21.

gnomAD v4.1: 18 of 1,613,922 alleles (0.0011%); highest among the groups gnomAD compares: South Asian, 0.0011%; no homozygotes.

Submissions (2):

Labcorp Genetics (formerly Invitae), Labcorp
Classification: Uncertain significance. Last evaluated: 2025-02-21. Review status: criteria provided, single submitter. Criteria: Invitae Variant Classification Sherloc (09022015). Collection method: clinical testing. Allele origin: germline.
Comment: This sequence change replaces arginine, which is basic and polar, with glutamine, which is neutral and polar, at codon 517 of the ACTN1 protein (p.Arg517Gln). This variant is present in population databases (rs776852524, gnomAD 0.003%). This variant has not been reported in the literature in individuals affected with ACTN1-related conditions. Invitae Evidence Modeling of protein sequence and biophysical properties (such as structural, functional, and spatial information, amino acid conservation, physicochemical variation, residue mobility, and thermodynamic stability) indicates that this missense variant is not expected to disrupt ACTN1 protein function with a negative predictive value of 80%. In summary, the available evidence is currently insufficient to determine the role of this variant in disease. Therefore, it has been classified as a Variant of Uncertain Significance.

Blueprint Genetics
Classification: Likely benign. Last evaluated: 2023-03-31. Review status: criteria provided, single submitter. Criteria: ACMG Guidelines, 2015. Collection method: clinical testing. Allele origin: germline.

NM_001130004.2(ACTN1):c.1550G>A (p.Arg517Gln)

Gene: ACTN1 (actinin alpha 1; minus strand). Cytogenetic location: 14q24.1.
Variant type: single nucleotide variant.
Coding change: c.1550G>A on transcript NM_001130004.2 (MANE Select); coding-DNA position 1550, G replaced by A.
Protein change: p.Arg517Gln; replaces arginine 517 with glutamine.
Molecular consequence: missense variant.
Genome position (GRCh38, 1-based): chr14:68,884,253, C>T on the plus strand (G>A on the coding strand, the complement: ACTN1 is on the minus strand). VCF-style: chr14-68884253-C-T. GRCh37 (hg19) VCF-style: chr14-69350970-C-T.
Other names: c.1550G>A, p.Arg517Gln (NM_001102.4, NM_001130005.2, NM_001424012.1 and 7 more transcripts); c.1574G>A, p.Arg525Gln (NM_001411035.1, NM_001424016.1); c.1355G>A, p.Arg452Gln (NM_001411036.1, NM_001424026.1, NM_001424028.1); c.1676G>A, p.Arg559Gln (NM_001424013.1); c.1637G>A, p.Arg546Gln (NM_001424015.1); c.1547G>A, p.Arg516Gln (NM_001424017.1); c.1511G>A, p.Arg504Gln (NM_001424018.1); c.1487G>A, p.Arg496Gln (NM_001424020.1, NM_001424022.1); and 2 more; short protein forms R452Q, R516Q, R242Q, R504Q, R517Q, R546Q, R494Q, R496Q.
Identifiers: ClinVar variation 4775957 (VCV004775957.2).